The following is an entry in ClinVar:

NM_015041.3(CLUAP1):c.809A>C (p.Glu270Ala)

Gene: CLUAP1 (clusterin associated protein 1; plus strand). Cytogenetic location: 16p13.3.
Variant type: single nucleotide variant.
Coding change: c.809A>C on transcript NM_015041.3 (MANE Select); coding-DNA position 809, A replaced by C.
Protein change: p.Glu270Ala; replaces glutamic acid 270 with alanine.
Molecular consequence: missense variant.
Genome position (GRCh38, 1-based): chr16:3,523,253, A>C. VCF-style: chr16-3523253-A-C. GRCh37 (hg19) VCF-style: chr16-3573253-A-C.
Other names: c.809A>C, p.Glu270Ala (NM_001330454.2); c.311A>C, p.Glu104Ala (NM_024793.3); c.809A>C (NM_015041.1); short protein forms E104A, E270A.
Identifiers: ClinVar variation 1519922 (VCV001519922.9), dbSNP rs779201447, ClinGen allele CA7863850.

ClinVar aggregate classification (germline): Uncertain significance. Review status: criteria provided, multiple submitters, no conflicts (2 of 4 stars). 2 submissions from 2 submitters: Uncertain significance (2). Last evaluated 2023-12-20.

Allele frequency attached by ClinVar (database versions not stated): gnomAD 0.00001; gnomAD exomes 0.00001; TOPMed 0.00001; ExAC 0.00002.
gnomAD v4.1: 3 of 1,613,814 alleles (0.00019%); highest among the groups gnomAD compares: Admixed American, 0.005%; no homozygotes.

Submissions (2):

Ambry Genetics
Classification: Uncertain significance. Last evaluated: 2023-12-20. Review status: criteria provided, single submitter. Criteria: Ambry Variant Classification Scheme 2023. Collection method: clinical testing. Allele origin: germline.

Labcorp Genetics (formerly Invitae), Labcorp
Classification: Uncertain significance. Last evaluated: 2021-05-10. Review status: criteria provided, single submitter. Criteria: Invitae Variant Classification Sherloc (09022015). Collection method: clinical testing. Allele origin: germline.
Comment: This sequence change replaces glutamic acid with alanine at codon 270 of the CLUAP1 protein (p.Glu270Ala). The glutamic acid residue is highly conserved and there is a moderate physicochemical difference between glutamic acid and alanine. This variant is present in population databases (rs779201447, ExAC 0.03%). This variant has not been reported in the literature in individuals with CLUAP1-related conditions. Algorithms developed to predict the effect of missense changes on protein structure and function are either unavailable or do not agree on the potential impact of this missense change (SIFT: "Tolerated"; PolyPhen-2: "Probably Damaging"; Align-GVGD: "Class C15"). In summary, the available evidence is currently insufficient to determine the role of this variant in disease. Therefore, it has been classified as a Variant of Uncertain Significance.